The following is an entry in ClinVar:

NM_015102.5(NPHP4):c.2021G>A (p.Arg674His)

Gene: NPHP4 (nephrocystin 4; minus strand). Cytogenetic location: 1p36.31.
Variant type: single nucleotide variant.
Coding change: c.2021G>A on transcript NM_015102.5 (MANE Select); coding-DNA position 2021, G replaced by A.
Protein change: p.Arg674His; replaces arginine 674 with histidine.
Molecular consequence: missense variant. On other transcripts: non-coding transcript variant (1).
Genome position (GRCh38, 1-based): chr1:5,904,739, C>T on the plus strand (G>A on the coding strand, the complement: NPHP4 is on the minus strand). VCF-style: chr1-5904739-C-T. GRCh37 (hg19) VCF-style: chr1-5964799-C-T.
Other names: p.Arg674His; c.2021G>A (NM_015102.4); c.482G>A, p.Arg161His (NM_001291593.2); c.485G>A, p.Arg162His (NM_001291594.2); short protein forms R674H, R161H, R162H.
Identifiers: ClinVar variation 502337 (VCV000502337.16), dbSNP rs375416303, ClinGen allele CA554300.
Genomic context (GRCh38, chr1:5,904,739, plus strand): 5'-GGCTGGCCGGCCTCATCCAGCTGGACCAGCTGCAGTCGTGGCGTCGTTGCGGGTGGGAAG[C>T]GGTAGAACTGGAAGGTGAAATACACAGTCTTTGGCCATGATGTTCCTCGGCAGTCCTGGG-3'
Protein context (NP_055917.1, residues 664-684): KTVYFTFQFY[Arg674His]FPPATTPRLQ

ClinVar aggregate classification (germline): Uncertain significance. Review status: criteria provided, multiple submitters, no conflicts (2 of 4 stars). 7 submissions from 7 submitters: Uncertain significance (7). Last evaluated 2025-12-10.

Conditions:
NPHP4-related disorder. Also called: NPHP4-related condition; NPHP4-related disorders. Identifiers: MedGen CN239384.
Nephronophthisis. Also called: Juvenile Nephronophthisis. Identifiers: Orphanet 655, MedGen C0687120, MONDO:0019005, HP:0000090.
Senior-Loken syndrome 4 (SLSN4). Identifiers: Orphanet 3156, MedGen C1846979, MONDO:0011756, OMIM 606996.
Nephronophthisis 4 (NPHP4). Also called: NEPHRONOPHTHISIS 4, JUVENILE. Identifiers: Orphanet 655, MedGen C1847013, MONDO:0011752, OMIM 606966.

Allele frequency attached by ClinVar (database versions not stated): TOPMed 0.00006; ESP Exome Variant Server 0.00008.
gnomAD v4.1: 75 of 1,613,966 alleles (0.0046%); highest among the groups gnomAD compares: Middle Eastern, 0.066%; no homozygotes.

Submissions (7):

PreventionGenetics, part of Exact Sciences
Classification: Uncertain significance for NPHP4-related condition. Last evaluated: 2025-12-10. Review status: criteria provided, single submitter. Criteria: ACMG Guidelines, 2015. Collection method: clinical testing. Allele origin: germline.
Comment: The NPHP4 c.2021G>A variant is predicted to result in the amino acid substitution p.Arg674His. This variant was reported in the compound heterozygous state in an individual with congenital anomalies of kidney and urinary tract (van der Ven et al. 2018. PubMed ID: 30143558). This variant is reported in 0.0083% of alleles in individuals of African descent in gnomAD. At this time, the clinical significance of this variant is uncertain due to the absence of conclusive functional and genetic evidence.

Labcorp Genetics (formerly Invitae), Labcorp
Classification: Uncertain significance for Nephronophthisis. Last evaluated: 2025-11-14. Review status: criteria provided, single submitter. Criteria: Invitae Variant Classification Sherloc (09022015). Collection method: clinical testing. Allele origin: germline.
Comment: This sequence change replaces arginine, which is basic and polar, with histidine, which is basic and polar, at codon 674 of the NPHP4 protein (p.Arg674His). This variant is present in population databases (rs375416303, gnomAD 0.008%). This missense change has been observed in individual(s) with renal hypodysplasia and facial dysmorphism (PMID: 30143558). ClinVar contains an entry for this variant (Variation ID: 502337). Invitae Evidence Modeling of protein sequence and biophysical properties (such as structural, functional, and spatial information, amino acid conservation, physicochemical variation, residue mobility, and thermodynamic stability) indicates that this missense variant is expected to disrupt NPHP4 protein function with a positive predictive value of 80%. In summary, the available evidence is currently insufficient to determine the role of this variant in disease. Therefore, it has been classified as a Variant of Uncertain Significance.

Blueprint Genetics
Classification: Uncertain significance. Last evaluated: 2024-10-14. Review status: criteria provided, single submitter. Criteria: ACMG Guidelines, 2015. Collection method: clinical testing. Allele origin: germline.

Fulgent Genetics
Classification: Uncertain significance for Nephronophthisis 4; Senior-Loken syndrome 4. Last evaluated: 2024-03-25. Review status: criteria provided, single submitter. Criteria: ACMG Guidelines, 2015. Collection method: clinical testing. Allele origin: germline.

Mayo Clinic Laboratories, Mayo Clinic
Classification: Uncertain significance. Last evaluated: 2023-04-20. Review status: criteria provided, single submitter. Criteria: ACMG Guidelines, 2015. Collection method: clinical testing. Allele origin: germline. Observed: 1 variant allele.
Comment: PM2

Department of Pathology and Laboratory Medicine, Sinai Health System
Classification: Uncertain significance for Nephronophthisis 4; Senior-Loken syndrome 4. Last evaluated: 2021-09-29. Review status: criteria provided, single submitter. Criteria: ACMG Guidelines, 2015. Collection method: research. Allele origin: germline.

Eurofins Ntd Llc (ga)
Classification: Uncertain significance. Last evaluated: 2017-05-31. Review status: criteria provided, single submitter. Criteria: EGL Classification Definitions 2015. Collection method: clinical testing. Allele origin: germline. Observed: 1 variant allele, 1 heterozygote.

Literature cited by the submitters: PubMed 30143558 (cited by Labcorp Genetics (formerly Invitae), Labcorp and Mayo Clinic Laboratories, Mayo Clinic).